The following is an entry in ClinVar:

ClinVar aggregate classification (germline): Uncertain significance (1 of 4 stars; one submission).

Allele frequency attached by ClinVar (database versions not stated): gnomAD exomes below 0.00001.
gnomAD v4.1: 1 of 1,613,968 alleles (0.000062%); highest among the groups gnomAD compares: Non-Finnish European, 0.000085%; no homozygotes.

Submission:

Labcorp Genetics (formerly Invitae), Labcorp
Classification: Uncertain significance. Last evaluated: 2022-02-03. Review status: criteria provided, single submitter. Criteria: Invitae Variant Classification Sherloc (09022015). Collection method: clinical testing. Allele origin: germline.
Comment: This sequence change replaces aspartic acid, which is acidic and polar, with glycine, which is neutral and non-polar, at codon 79 of the ELP1 protein (p.Asp79Gly). This variant is not present in population databases (gnomAD no frequency). This variant has not been reported in the literature in individuals affected with ELP1-related conditions. Algorithms developed to predict the effect of missense changes on protein structure and function output the following: SIFT: "Tolerated"; PolyPhen-2: "Benign"; Align-GVGD: "Class C0". The glycine amino acid residue is found in multiple mammalian species, which suggests that this missense change does not adversely affect protein function. Algorithms developed to predict the effect of sequence changes on RNA splicing suggest that this variant may create or strengthen a splice site. In summary, the available evidence is currently insufficient to determine the role of this variant in disease. Therefore, it has been classified as a Variant of Uncertain Significance.

NM_003640.5(ELP1):c.236A>G (p.Asp79Gly)

Gene: ELP1 (elongator acetyltransferase complex subunit 1; minus strand). Cytogenetic location: 9q31.3.
Variant type: single nucleotide variant.
Coding change: c.236A>G on transcript NM_003640.5 (MANE Select); coding-DNA position 236, A replaced by G.
Protein change: p.Asp79Gly; replaces aspartic acid 79 with glycine.
Molecular consequence: missense variant. On other transcripts: 5 prime UTR variant (2).
Genome position (GRCh38, 1-based): chr9:108,929,836, T>C on the plus strand (A>G on the coding strand, the complement: ELP1 is on the minus strand). VCF-style: chr9-108929836-T-C. GRCh37 (hg19) VCF-style: chr9-111692116-T-C.
Other names: c.-107A>G (NM_001318360.2); c.-624A>G (NM_001330749.2); short protein forms D79G.
Identifiers: ClinVar variation 2141121 (VCV002141121.1), dbSNP rs2537963901, ClinGen allele CA374394079.